The following is an entry in ClinVar:

NM_152713.5(STT3A):c.1775-8del

Gene: STT3A (STT3 oligosaccharyltransferase complex catalytic subunit A; plus strand). Cytogenetic location: 11q24.2.
Variant type: Deletion.
Coding change: c.1775-8del on transcript NM_152713.5 (MANE Select); 8 bases into the intron before coding-DNA position 1775, one base deleted (T; older notation c.1775-8delT).
Molecular consequence: intron variant.
Genome position (GRCh38, 1-based): chr11:125,618,365, T deleted; the last of 13 consecutive T bases (chr11:125,618,353-125,618,365); deleting any one gives the same sequence. VCF-style (leftmost placement, unchanged base first): chr11-125618352-CT-C. GRCh37 (hg19) VCF-style: chr11-125488247-CT-C.
Other names: NC_000011.9:g.125488260del; p.?; c.1775-8del (NM_001278503.2); c.1499-8del (NM_001278504.2).
Identifiers: ClinVar variation 4283529 (VCV004283529.4).

ClinVar aggregate classification (germline): Benign/Likely benign. Review status: criteria provided, multiple submitters, no conflicts (2 of 4 stars). 3 submissions from 3 submitters: Benign (2); Likely benign (1). Last evaluated 2025-05-23.

Submissions (11):

Labcorp Genetics (formerly Invitae), Labcorp
Classification: Benign. Last evaluated: 2025-05-23. Review status: criteria provided, single submitter. Criteria: Invitae Variant Classification Sherloc (09022015). Collection method: clinical testing. Allele origin: germline.

Blueprint Genetics
Classification: Likely benign. Last evaluated: 2024-11-27. Review status: criteria provided, single submitter. Criteria: ACMG Guidelines, 2015. Collection method: clinical testing. Allele origin: germline.

Mayo Clinic Laboratories, Mayo Clinic
Classification: Benign. Last evaluated: 2024-11-04. Review status: criteria provided, single submitter. Criteria: ACMG Guidelines, 2015. Collection method: clinical testing. Allele origin: germline. Observed: 15 variant alleles.
Comment: BA1

Dr. Peter K. Rogan Lab, Western University
No classification provided (evidence only). Condition: Familial cancer of breast. Review status: no classification provided. Collection method: in vitro. Allele origin: not applicable. Functional consequence: retained intron. Not counted in ClinVar's aggregate classification.

Dr. Peter K. Rogan Lab, Western University
No classification provided (evidence only). Condition: Cervical cancer. Review status: no classification provided. Collection method: in vitro. Allele origin: not applicable. Functional consequence: retained intron. Not counted in ClinVar's aggregate classification.

Dr. Peter K. Rogan Lab, Western University
No classification provided (evidence only). Condition: Cholangiocarcinoma. Review status: no classification provided. Collection method: in vitro. Allele origin: not applicable. Functional consequence: retained intron. Not counted in ClinVar's aggregate classification.

Dr. Peter K. Rogan Lab, Western University
No classification provided (evidence only). Condition: Cholangiocarcinoma. Review status: no classification provided. Collection method: in vitro. Allele origin: not applicable. Functional consequence: skipped exon. Not counted in ClinVar's aggregate classification.

Dr. Peter K. Rogan Lab, Western University
No classification provided (evidence only). Condition: Glioma susceptibility 1. Review status: no classification provided. Collection method: in vitro. Allele origin: not applicable. Functional consequence: retained intron. Not counted in ClinVar's aggregate classification.

Dr. Peter K. Rogan Lab, Western University
No classification provided (evidence only). Condition: Uveal melanoma. Review status: no classification provided. Collection method: in vitro. Allele origin: not applicable. Functional consequence: retained intron. Not counted in ClinVar's aggregate classification.

Dr. Peter K. Rogan Lab, Western University
No classification provided (evidence only). Condition: Uveal melanoma. Review status: no classification provided. Collection method: in vitro. Allele origin: not applicable. Functional consequence: retained intron. Not counted in ClinVar's aggregate classification.

Dr. Peter K. Rogan Lab, Western University
No classification provided (evidence only). Condition: Gastric cancer. Review status: no classification provided. Collection method: in vitro. Allele origin: not applicable. Functional consequence: retained intron. Not counted in ClinVar's aggregate classification.